The following is an entry in ClinVar:

NM_032776.3(JMJD1C):c.1949C>T (p.Thr650Ile)

Gene: JMJD1C (jumonji domain containing 1C; minus strand). Cytogenetic location: 10q21.3.
Variant type: single nucleotide variant.
Coding change: c.1949C>T on transcript NM_032776.3 (MANE Select); coding-DNA position 1949, C replaced by T.
Protein change: p.Thr650Ile; replaces threonine 650 with isoleucine.
Molecular consequence: missense variant. On other transcripts: non-coding transcript variant (1).
Genome position (GRCh38, 1-based): chr10:63,214,218, G>A on the plus strand (C>T on the coding strand, the complement: JMJD1C is on the minus strand). VCF-style: chr10-63214218-G-A. GRCh37 (hg19) VCF-style: chr10-64973978-G-A.
Other names: c.1403C>T, p.Thr468Ile (NM_001282948.2, NM_001318154.2); c.1085C>T, p.Thr362Ile (NM_001318153.2); c.1835C>T, p.Thr612Ile (NM_001322252.2); c.1292C>T, p.Thr431Ile (NM_001322254.2, NM_001322258.2); short protein forms T650I, T362I, T468I, T612I, T431I.
Identifiers: ClinVar variation 460226 (VCV000460226.36), dbSNP rs41274068, ClinGen allele CA5518712.

ClinVar aggregate classification (germline): Benign. Review status: criteria provided, multiple submitters, no conflicts (2 of 4 stars). 3 submissions from 3 submitters: Benign (3). Last evaluated 2026-08-01.

Conditions:
Early Myoclonic Encephalopathy. Identifiers: MedGen C0270855.

Allele frequency attached by ClinVar (database versions not stated): 1000 Genomes Project 30x 0.00406; 1000 Genomes Project 0.00419; TOPMed 0.00811; ESP Exome Variant Server 0.00986.
gnomAD v4.1: 19,216 of 1,613,936 alleles (1.2%); highest among the groups gnomAD compares: Non-Finnish European, 1.4%; 161 homozygotes.

Submissions (3):

CeGaT Center for Human Genetics Tuebingen
Classification: Benign. Last evaluated: 2026-08-01. Review status: criteria provided, single submitter. Criteria: CeGaT Center For Human Genetics Tuebingen Variant Classification Criteria Version 2. Collection method: clinical testing. Allele origin: germline. Affected: yes. Observed: 16 variant alleles.
Comment: JMJD1C: BP4, BS1, BS2

Labcorp Genetics (formerly Invitae), Labcorp
Classification: Benign for Early Myoclonic Encephalopathy. Last evaluated: 2026-02-03. Review status: criteria provided, single submitter. Criteria: Invitae Variant Classification Sherloc (09022015). Collection method: clinical testing. Allele origin: germline.

Breakthrough Genomics
Classification: Benign. Review status: criteria provided, single submitter. Criteria: ACMG Guidelines, 2015. Collection method: not provided. Allele origin: germline. Inheritance: Unknown mechanism. Affected: yes.